The following is an entry in ClinVar:

ClinVar aggregate classification (germline): Conflicting classifications of pathogenicity. Review status: criteria provided, conflicting classifications (1 of 4 stars). 2 submissions from 2 submitters: Uncertain significance (1); Likely benign (1). Last evaluated 2023-03-17.

Allele frequency attached by ClinVar (database versions not stated): gnomAD 0.00004 and 0.00007; ExAC 0.00006; gnomAD exomes 0.00006; TOPMed 0.00007; ESP Exome Variant Server 0.00008; 1000 Genomes Project 0.00040; 1000 Genomes Project 30x 0.00047.
gnomAD v4.1: 226 of 1,610,376 alleles (0.014%); highest among the groups gnomAD compares: Non-Finnish European, 0.018%; no homozygotes.

Submissions (2):

Blueprint Genetics
Classification: Likely benign. Last evaluated: 2023-03-17. Review status: criteria provided, single submitter. Criteria: ACMG Guidelines, 2015. Collection method: clinical testing. Allele origin: germline.

Labcorp Genetics (formerly Invitae), Labcorp
Classification: Uncertain significance. Last evaluated: 2022-05-12. Review status: criteria provided, single submitter. Criteria: Invitae Variant Classification Sherloc (09022015). Collection method: clinical testing. Allele origin: germline.
Comment: This sequence change replaces methionine, which is neutral and non-polar, with valine, which is neutral and non-polar, at codon 266 of the HPS4 protein (p.Met266Val). This variant is present in population databases (rs201290613, gnomAD 0.01%). This variant has not been reported in the literature in individuals affected with HPS4-related conditions. Algorithms developed to predict the effect of missense changes on protein structure and function output the following: SIFT: "Tolerated"; PolyPhen-2: "Benign"; Align-GVGD: "Class C0". The valine amino acid residue is found in multiple mammalian species, which suggests that this missense change does not adversely affect protein function. Algorithms developed to predict the effect of sequence changes on RNA splicing suggest that this variant may create or strengthen a splice site. In summary, the available evidence is currently insufficient to determine the role of this variant in disease. Therefore, it has been classified as a Variant of Uncertain Significance.

NM_022081.6(HPS4):c.796A>G (p.Met266Val)

Gene: HPS4 (HPS4 biogenesis of lysosomal organelles complex 3 subunit 2; minus strand). Cytogenetic location: 22q12.1.
Variant type: single nucleotide variant.
Coding change: c.796A>G on transcript NM_022081.6 (MANE Select); coding-DNA position 796, A replaced by G.
Protein change: p.Met266Val; replaces methionine 266 with valine.
Molecular consequence: missense variant. On other transcripts: non-coding transcript variant (8).
Genome position (GRCh38, 1-based): chr22:26,465,462, T>C on the plus strand (A>G on the coding strand, the complement: HPS4 is on the minus strand). VCF-style: chr22-26465462-T-C. GRCh37 (hg19) VCF-style: chr22-26861428-T-C.
Other names: c.796A>G, p.Met266Val (NM_001349896.1, NM_001349898.2, NM_001349899.2 and 4 more transcripts); c.850A>G, p.Met284Val (NM_001349900.2, NM_001349901.1); c.781A>G, p.Met261Val (NM_152841.2); short protein forms M261V, M266V, M284V.
Identifiers: ClinVar variation 1423727 (VCV001423727.6), dbSNP rs201290613, ClinGen allele CA10163490.